The following is an entry in ClinVar:

ClinVar aggregate classification (germline): Uncertain significance (1 of 4 stars; one submission).

Conditions:
Hereditary cancer-predisposing syndrome. Also called: Hereditary neoplastic syndrome; Tumor predisposition; Neoplastic Syndromes, Hereditary; Hereditary Cancer Syndrome. Identifiers: Orphanet 140162, MedGen C0027672, MeSH D009386, MONDO:0015356.

gnomAD v4.1: 1 of 1,583,762 alleles (0.000063%); highest among the groups gnomAD compares: Non-Finnish European, 0.000087%; no homozygotes.

Submission:

Labcorp Genetics (formerly Invitae), Labcorp
Classification: Uncertain significance for Hereditary cancer-predisposing syndrome. Last evaluated: 2020-05-11. Review status: criteria provided, single submitter. Criteria: Invitae Variant Classification Sherloc (09022015). Collection method: clinical testing. Allele origin: germline.
Comment: In summary, the available evidence is currently insufficient to determine the role of this variant in disease. Therefore, it has been classified as a Variant of Uncertain Significance. Algorithms developed to predict the effect of missense changes on protein structure and function (SIFT, PolyPhen-2, Align-GVGD) all suggest that this variant is likely to be tolerated, but these predictions have not been confirmed by published functional studies and their clinical significance is uncertain. This variant has not been reported in the literature in individuals with RAD50-related conditions. This variant is not present in population databases (ExAC no frequency). This sequence change replaces tryptophan with arginine at codon 1017 of the RAD50 protein (p.Trp1017Arg). The tryptophan residue is moderately conserved and there is a moderate physicochemical difference between tryptophan and arginine.

NM_005732.4(RAD50):c.3049T>A (p.Trp1017Arg)

Gene: RAD50 (RAD50 double strand break repair protein; plus strand). Cytogenetic location: 5q31.1.
Variant type: single nucleotide variant.
Coding change: c.3049T>A on transcript NM_005732.4 (MANE Select); coding-DNA position 3049, T replaced by A.
Protein change: p.Trp1017Arg; replaces tryptophan 1017 with arginine.
Molecular consequence: missense variant.
Genome position (GRCh38, 1-based): chr5:132,616,015, T>A. VCF-style: chr5-132616015-T-A. GRCh37 (hg19) VCF-style: chr5-131951707-T-A.
Other names: short protein forms W1017R.
Identifiers: ClinVar variation 654314 (VCV000654314.11), dbSNP rs878997089, ClinGen allele CA360963413.
Genomic context (GRCh38, chr5:132,616,015, plus strand): 5'-GTTAGTAACTTGGTTATTTTTGTTAACTAATTTAATGTTTACCTTTAGATACAAGAAAGG[T>A]GGCTACAAGATAACCTTACTTTAAGAAAAAGAAATGAGGAACTAAAAGAAGTTGAAGAAG-3'
Protein context (NP_005723.2, residues 1007-1027): DIDTQKIQER[Trp1017Arg]LQDNLTLRKR